The following is an entry in ClinVar:

ClinVar aggregate classification (germline): Uncertain significance (1 of 4 stars; one submission).

Submission:

Ambry Genetics
Classification: Uncertain significance. Last evaluated: 2022-05-12. Review status: criteria provided, single submitter. Criteria: Ambry Variant Classification Scheme 2023. Collection method: clinical testing. Allele origin: germline.
Comment: The p.L327V variant (also known as c.979T>G), located in coding exon 3 of the TERF2IP gene, results from a T to G substitution at nucleotide position 979. The leucine at codon 327 is replaced by valine, an amino acid with highly similar properties. This amino acid position is conserved. In addition, this alteration is predicted to be tolerated by in silico analysis. Since supporting evidence is limited at this time, the clinical significance of this alteration remains unclear.

NM_018975.4(TERF2IP):c.979T>G (p.Leu327Val)

Gene: TERF2IP (TERF2 interacting protein; plus strand). Cytogenetic location: 16q23.1.
Variant type: single nucleotide variant.
Coding change: c.979T>G on transcript NM_018975.4 (MANE Select); coding-DNA position 979, T replaced by G.
Protein change: p.Leu327Val; replaces leucine 327 with valine.
Molecular consequence: missense variant. On other transcripts: non-coding transcript variant (1).
Genome position (GRCh38, 1-based): chr16:75,656,390, T>G. VCF-style: chr16-75656390-T-G. GRCh37 (hg19) VCF-style: chr16-75690288-T-G.
Other names: short protein forms L327V.
Identifiers: ClinVar variation 1768242 (VCV001768242.2), dbSNP rs2507089540, ClinGen allele CA396820006.